The following is an entry in ClinVar:

ClinVar aggregate classification (germline): Uncertain significance (1 of 4 stars; one submission).

Conditions:
Beckwith-Wiedemann syndrome (BWS). Also called: EMG SYNDROME; Exomphalos macroglossia gigantism syndrome. Identifiers: Orphanet 116, MedGen C0004903, MONDO:0007534, OMIM 130650.

gnomAD v4.1: 2 of 1,546,506 alleles (0.00013%); highest among the groups gnomAD compares: Non-Finnish European, 0.00017%; no homozygotes.

Submission:

St. Jude Molecular Pathology, St. Jude Children's Research Hospital
Classification: Uncertain significance for Beckwith-Wiedemann syndrome. Last evaluated: 2025-06-17. Review status: criteria provided, single submitter. Criteria: St. Jude Assertion Criteria 2020. Collection method: clinical testing. Allele origin: germline.
Comment: The CDKN1C c.37G>C p.(Glu13Gln) missense change is absent in gnomAD v2 .1.1. The in silico tool REVEL is inconclusive about a pathogenic or benign effect of this variant on protein function, and to our knowledge functional studies have not been performed. To our knowledge, this variant has not been reported in individuals with Beckwith-Wiedemann syndrome or IMAGE syndrome. In summary, the evidence currently available is insufficient to determine the clinical significance of this variant. It has therefore been classified as of uncertain significance.

NM_001122630.2(CDKN1C):c.4G>C (p.Glu2Gln)

Gene: CDKN1C (cyclin dependent kinase inhibitor 1C; minus strand). Cytogenetic location: 11p15.4.
Variant type: single nucleotide variant.
Coding change: c.4G>C on transcript NM_001122630.2 (MANE Select); coding-DNA position 4, G replaced by C.
Protein change: p.Glu2Gln; replaces glutamic acid 2 with glutamine.
Molecular consequence: missense variant.
Genome position (GRCh38, 1-based): chr11:2,885,453, C>G on the plus strand (G>C on the coding strand, the complement: CDKN1C is on the minus strand). VCF-style: chr11-2885453-C-G. GRCh37 (hg19) VCF-style: chr11-2906683-C-G.
Other names: c.37G>C, p.Glu13Gln (NM_000076.2, NM_001362474.2); c.4G>C, p.Glu2Gln (NM_001122631.2, NM_001362475.2); short protein forms E13Q, E2Q.
Identifiers: ClinVar variation 4056119 (VCV004056119.2).